The following is an entry in ClinVar:

NC_000001.10:g.(?_3731966)_(3768971_?)dup

Gene: CEP104 (centrosomal protein 104; minus strand). Cytogenetic location: 1p36.32.
Variant type: Duplication.
Identifiers: ClinVar variation 1411850 (VCV001411850.4).

ClinVar aggregate classification (germline): Uncertain significance (1 of 4 stars; one submission).

Conditions:
Joubert syndrome 25 (JBTS25). Identifiers: Orphanet 475, MedGen C4084842, MONDO:0014770, OMIM 616781.

Submission:

Labcorp Genetics (formerly Invitae), Labcorp
Classification: Uncertain significance for Joubert syndrome 25. Last evaluated: 2022-04-08. Review status: criteria provided, single submitter. Criteria: Invitae Variant Classification Sherloc (09022015). Collection method: clinical testing. Allele origin: germline.
Comment: A copy number gain of the genomic region encompassing the full coding sequence of the CEP104 gene has been identified. The boundaries of this event are unknown as they extend beyond the assayed region for this gene and therefore may encompass additional genes. As the precise location of this event is unknown, it may be in tandem or it may be located elsewhere in the genome. This variant has not been reported in the literature in individuals affected with CEP104-related conditions. In summary, the available evidence is currently insufficient to determine the role of this variant in disease. Therefore, it has been classified as a Variant of Uncertain Significance.